The following is an entry in ClinVar:

NM_001754.5(RUNX1):c.1016T>A (p.Leu339Gln)

Gene: RUNX1 (RUNX family transcription factor 1; minus strand). Cytogenetic location: 21q22.12.
Variant type: single nucleotide variant.
Coding change: c.1016T>A on transcript NM_001754.5 (MANE Select); coding-DNA position 1016, T replaced by A.
Protein change: p.Leu339Gln; replaces leucine 339 with glutamine.
Molecular consequence: missense variant.
Genome position (GRCh38, 1-based): chr21:34,792,562, A>T on the plus strand (T>A on the coding strand, the complement: RUNX1 is on the minus strand). VCF-style: chr21-34792562-A-T. GRCh37 (hg19) VCF-style: chr21-36164859-A-T.
Other names: c.935T>A, p.Leu312Gln (NM_001001890.3); short protein forms L339Q, L312Q.
Identifiers: ClinVar variation 4158214 (VCV004158214.1).
Genomic context (GRCh38, chr21:34,792,562, plus strand): 5'-GGCGTCGGGGAGTAGGTGAAGGCGCCTGGATAGTGCATGCGGGGGTCGGAGATGGAGGGC[A>T]GCGCGGGGAACTGGCGCGGGTCGCTGAACGCTGTCAGGTCGGGTGCCGCTGCAGGGCGGG-3'
Protein context (NP_001745.2, residues 329-349): AFSDPRQFPA[Leu339Gln]PSISDPRMHY

ClinVar aggregate classification (germline): Uncertain significance (1 of 4 stars; one submission).

Conditions:
Inborn genetic diseases. Identifiers: MedGen C0950123, MeSH D030342.

Submission:

Ambry Genetics
Classification: Uncertain significance for Inborn genetic diseases. Last evaluated: 2025-08-02. Review status: criteria provided, single submitter. Criteria: Ambry Variant Classification Scheme 2023. Collection method: clinical testing. Allele origin: germline.
Comment: The p.L339Q variant (also known as c.1016T>A), located in coding exon 8 of the RUNX1 gene, results from a T to A substitution at nucleotide position 1016. The leucine at codon 339 is replaced by glutamine, an amino acid with dissimilar properties. This amino acid position is conserved. In addition, the in silico prediction for this alteration is inconclusive. Based on the available evidence, the clinical significance of this variant remains unclear.